The following is an entry in ClinVar:

ClinVar aggregate classification (germline): Uncertain significance (1 of 4 stars; one submission).

Submission:

CeGaT Center for Human Genetics Tuebingen
Classification: Uncertain significance. Last evaluated: 2022-08-01. Review status: criteria provided, single submitter. Criteria: CeGaT Center For Human Genetics Tuebingen Variant Classification Criteria Version 2. Collection method: clinical testing. Allele origin: germline. Affected: yes. Observed: 1 variant allele.
Comment: ROBO2: PM2

NM_001395656.1(ROBO2):c.578C>T (p.Thr193Ile)

Gene: ROBO2 (roundabout guidance receptor 2; plus strand). Cytogenetic location: 3p12.3.
Variant type: single nucleotide variant.
Coding change: c.578C>T on transcript NM_001395656.1 (MANE Select); coding-DNA position 578, C replaced by T.
Protein change: p.Thr193Ile; replaces threonine 193 with isoleucine.
Molecular consequence: missense variant. On other transcripts: 5 prime UTR variant (1).
Genome position (GRCh38, 1-based): chr3:77,481,130, C>T. VCF-style: chr3-77481130-C-T. GRCh37 (hg19) VCF-style: chr3-77530281-C-T.
Other names: c.626C>T, p.Thr209Ile (NM_001128929.3, NM_001378190.1, NM_001378191.1 and 5 more transcripts); c.578C>T, p.Thr193Ile (NM_001290039.2, NM_001290040.2, NM_002942.5 and 3 more transcripts); c.-1341C>T (NM_001290065.2); c.647C>T, p.Thr216Ile (NM_001378192.1, NM_001394212.1, NM_001394213.1 and 5 more transcripts); short protein forms T193I, T209I, T216I.
Identifiers: ClinVar variation 2653977 (VCV002653977.24), dbSNP rs2548285644, ClinGen allele CA353574780.